The following is an entry in ClinVar:

ClinVar aggregate classification (germline): Pathogenic (1 of 4 stars; one submission).

Conditions:
Glycogen storage disease type III (GSD3). Also called: FORBES DISEASE; Cori disease. Identifiers: Orphanet 366, MedGen C0017922, MONDO:0009291, OMIM 232400.

Submission:

Myriad Genetics, Inc.
Classification: Pathogenic for Glycogen storage disease type III. Last evaluated: 2024-11-11. Review status: criteria provided, single submitter. Criteria: Myriad Autosomal Dominant, Autosomal Recessive and X-Linked Classification Criteria (2023). Collection method: clinical testing. Allele origin: unknown.
Comment: NM_000642.2(AGL):c.1815dupT(Q606Sfs*22) is expected to be pathogenic in the context of glycogen storage disease type III. This variant is predicted to lead to an abnormal or absent protein product due to the creation of a premature termination codon in AGL, a gene where loss-of-function variants are known to be pathogenic. Please note: this variant was assessed in the context of healthy population screening.

NM_000642.3(AGL):c.1815dup (p.Gln606fs)

Gene: AGL (amylo-alpha-1,6-glucosidase and 4-alpha-glucanotransferase; plus strand). Cytogenetic location: 1p21.2.
Variant type: Duplication.
Coding change: c.1815dup on transcript NM_000642.3 (MANE Select); coding-DNA position 1815, one base duplicated (T; older notation c.1815dupT).
Protein change: p.Gln606fs; shifts the reading frame from glutamine 606.
Molecular consequence: frameshift variant.
Genome position (GRCh38, 1-based): chr1:99,880,711, T duplicated; the last of 2 consecutive T bases (chr1:99,880,710-99,880,711); duplicating either gives the same sequence. VCF-style (leftmost placement, unchanged base first): chr1-99880709-G-GT. GRCh37 (hg19) VCF-style: chr1-100346265-G-GT.
Other names: c.1815dup, p.Gln606fs (NM_000028.3, NM_000643.3, NM_000644.3 and 2 more transcripts); c.1767dup, p.Gln590fs (NM_000646.3); c.1614dup, p.Gln539fs (NM_001425327.1); c.1611dup, p.Gln538fs (NM_001425328.1, NM_001425329.1); c.1437dup, p.Gln480fs (NM_001425332.1); short protein forms Q480fs, Q538fs, Q539fs, Q590fs, Q606fs.
Identifiers: ClinVar variation 5013737 (VCV005013737.1).